The following is an entry in ClinVar:

NM_002074.5(GNB1):c.520G>A (p.Gly174Ser)

Gene: GNB1 (G protein subunit beta 1; minus strand). Cytogenetic location: 1p36.33.
Variant type: single nucleotide variant.
Coding change: c.520G>A on transcript NM_002074.5 (MANE Select); coding-DNA position 520, G replaced by A.
Protein change: p.Gly174Ser; replaces glycine 174 with serine.
Molecular consequence: missense variant.
Genome position (GRCh38, 1-based): chr1:1,790,574, C>T on the plus strand (G>A on the coding strand, the complement: GNB1 is on the minus strand). VCF-style: chr1-1790574-C-T. GRCh37 (hg19) VCF-style: chr1-1722013-C-T.
Other names: c.220G>A, p.Gly74Ser (NM_001282538.2); c.520G>A, p.Gly174Ser (NM_001282539.2); short protein forms G74S, G174S.
Identifiers: ClinVar variation 1033473 (VCV001033473.10), dbSNP rs779612138, ClinGen allele CA531983.

ClinVar aggregate classification (germline): Conflicting classifications of pathogenicity. Review status: criteria provided, conflicting classifications (1 of 4 stars). 3 submissions from 3 submitters: Uncertain significance (2); Likely benign (1). Last evaluated 2024-02-13.

Conditions:
Intellectual developmental disorder, autosomal dominant 42. Also called: Global developmental delay-neuro-ophthalmological abnormalities-seizures-intellectual disability syndrome; GNB1 Encephalopathy; Intellectual disability, autosomal dominant 42. Identifiers: Orphanet 488613, MedGen C4310774, MONDO:0014855, OMIM 616973.

Allele frequency attached by ClinVar (database versions not stated): ExAC 0.00002; gnomAD exomes 0.00004; TOPMed 0.00002; gnomAD 0.00003.
gnomAD v4.1: 21 of 1,613,268 alleles (0.0013%); highest among the groups gnomAD compares: Admixed American, 0.015%; no homozygotes.

Submissions (3):

Labcorp Genetics (formerly Invitae), Labcorp
Classification: Likely benign. Last evaluated: 2024-02-13. Review status: criteria provided, single submitter. Criteria: Invitae Variant Classification Sherloc (09022015). Collection method: clinical testing. Allele origin: germline.

New York Genome Center
Classification: Uncertain significance for Intellectual developmental disorder, autosomal dominant 42. Last evaluated: 2020-06-02. Review status: criteria provided, single submitter. Criteria: NYGC Assertion Criteria 2020. Collection method: clinical testing. Allele origin: inherited. Observed: 1 heterozygote. Study: CSER-NYCKidSeq.

Baylor Genetics
Classification: Uncertain significance for Intellectual developmental disorder, autosomal dominant 42. Last evaluated: 2018-09-28. Review status: criteria provided, single submitter. Criteria: ACMG Guidelines, 2015. Collection method: clinical testing. Allele origin: maternal. Affected: yes.
Comment: This variant was determined to be of uncertain significance according to ACMG Guidelines, 2015 [PMID:25741868].